The following is an entry in ClinVar:

ClinVar aggregate classification (germline): Uncertain significance (1 of 4 stars; one submission).

Submission:

GeneDx
Classification: Uncertain significance. Last evaluated: 2019-11-12. Review status: criteria provided, single submitter. Criteria: GeneDx Variant Classification Process June 2021. Collection method: clinical testing. Allele origin: germline. Affected: yes.
Comment: Not observed in large population cohorts (Lek et al., 2016); Nonsense variant predicted to result in protein truncation or nonsense mediated decay in a gene for which loss-of-function is not a known mechanism of disease; Has not been previously published as pathogenic or benign to our knowledge

NM_177559.3(CSNK2A1):c.688G>T (p.Glu230Ter)

Gene: CSNK2A1 (casein kinase 2 alpha 1; minus strand). Cytogenetic location: 20p13.
Variant type: single nucleotide variant.
Coding change: c.688G>T on transcript NM_177559.3 (MANE Select); coding-DNA position 688, G replaced by T.
Protein change: p.Glu230Ter; replaces glutamic acid 230 with a stop codon.
Molecular consequence: nonsense.
Genome position (GRCh38, 1-based): chr20:489,815, C>A on the plus strand (G>T on the coding strand, the complement: CSNK2A1 is on the minus strand). VCF-style: chr20-489815-C-A. GRCh37 (hg19) VCF-style: chr20-470459-C-A.
Other names: c.688G>T, p.Glu230Ter (NM_001362770.2, NM_001362771.2, NM_001895.4); c.280G>T, p.Glu94Ter (NM_177560.3); short protein forms E230*, E94*.
Identifiers: ClinVar variation 1310118 (VCV001310118.2), dbSNP rs2122512854, ClinGen allele CA407929038.